The following is an entry in ClinVar:

NM_006648.4(WNK2):c.3119C>G (p.Pro1040Arg)

Gene: WNK2 (WNK lysine deficient protein kinase 2; plus strand). Cytogenetic location: 9q22.31.
Variant type: single nucleotide variant.
Coding change: c.3119C>G on transcript NM_006648.4 (MANE Select); coding-DNA position 3119, C replaced by G.
Protein change: p.Pro1040Arg; replaces proline 1040 with arginine.
Molecular consequence: missense variant.
Genome position (GRCh38, 1-based): chr9:93,261,866, C>G. VCF-style: chr9-93261866-C-G. GRCh37 (hg19) VCF-style: chr9-96024148-C-G.
Other names: c.3119C>G, p.Pro1040Arg (NM_001282394.3); short protein forms P1040R.
Identifiers: ClinVar variation 4201900 (VCV004201900.1).

ClinVar aggregate classification (germline): Uncertain significance (1 of 4 stars; one submission).

gnomAD v4.1: 7 of 1,600,478 alleles (0.00044%); highest among the groups gnomAD compares: East Asian, 0.011%; no homozygotes.

Submission:

Ambry Genetics
Classification: Uncertain significance. Last evaluated: 2025-09-13. Review status: criteria provided, single submitter. Criteria: Ambry Variant Classification Scheme 2023. Collection method: clinical testing. Allele origin: germline.
Comment: The p.P1040R variant (also known as c.3119C>G), located in coding exon 12 of the WNK2 gene, results from a C to G substitution at nucleotide position 3119. The proline at codon 1040 is replaced by arginine, an amino acid with dissimilar properties. This amino acid position is conserved. In addition, this alteration is predicted to be tolerated by in silico analysis. Based on the available evidence, the clinical significance of this variant remains unclear.